The following is an entry in ClinVar:

ClinVar aggregate classification (germline): Likely benign. Review status: criteria provided, multiple submitters, no conflicts (2 of 4 stars). 7 submissions from 7 submitters: Likely benign (6). 1 of the submissions does not count toward it. Last evaluated 2026-05-06.

Conditions:
Developmental and epileptic encephalopathy, 42 (DEE42A). Also called: DEVELOPMENTAL AND EPILEPTIC ENCEPHALOPATHY 42A; EPILEPTIC ENCEPHALOPATHY, EARLY INFANTILE, 42A; Epileptic encephalopathy, early infantile, 42. Identifiers: MedGen C4310716, MONDO:0014917, OMIM 617106.
Episodic ataxia type 2 (EA2). Also called: ATAXIA, EPISODIC, WITH NYSTAGMUS; ATAXIA, FAMILIAL PAROXYSMAL; CEREBELLAR ATAXIA, PAROXYSMAL, ACETAZOLAMIDE-RESPONSIVE; CEREBELLOPATHY, HEREDITARY PAROXYSMAL; ACETAZOLAMIDE-RESPONSIVE HEREDITARY PAROXYSMAL CEREBELLAR ATAXIA; EPISODIC ATAXIA, NYSTAGMUS-ASSOCIATED. Identifiers: Orphanet 97, MedGen C1720416, MONDO:0007163, OMIM 108500.
Inborn genetic diseases. Identifiers: MedGen C0950123, MeSH D030342.
CACNA1A-related disorder. Also called: CACNA1A-related condition.

Allele frequency attached by ClinVar (database versions not stated): gnomAD 0.00002 and 0.00003; TOPMed 0.00005; gnomAD exomes 0.00007; ESP Exome Variant Server 0.00008; ExAC 0.00010.
gnomAD v4.1: 101 of 1,586,898 alleles (0.0064%); highest among the groups gnomAD compares: Non-Finnish European, 0.0076%; no homozygotes.

Submissions (7):

Ambry Genetics
Classification: Likely benign for Inborn genetic diseases. Last evaluated: 2026-05-06. Review status: criteria provided, single submitter. Criteria: Ambry Variant Classification Scheme 2023. Collection method: clinical testing. Allele origin: germline.

CeGaT Center for Human Genetics Tuebingen
Classification: Likely benign. Last evaluated: 2026-04-01. Review status: criteria provided, single submitter. Criteria: CeGaT Center For Human Genetics Tuebingen Variant Classification Criteria Version 2. Collection method: clinical testing. Allele origin: germline. Affected: yes. Observed: 1 variant allele.
Comment: CACNA1A: BP4

Women's Health and Genetics/Laboratory Corporation of America, LabCorp
Classification: Likely benign. Last evaluated: 2025-09-23. Review status: criteria provided, single submitter. Criteria: LabCorp Variant Classification Summary - May 2015. Collection method: clinical testing. Allele origin: germline.
Comment: Variant summary: CACNA1A c.4594-4G>A alters a non-conserved nucleotide located at a position not widely known to affect splicing. Consensus agreement among computation tools predict no significant impact on normal splicing. However, these predictions have yet to be confirmed by functional studies. The variant allele was found at a frequency of 6.8e-05 in 233872 control chromosomes (gnomAD). The occurrence in several carriers suggests that this variant is likely not associated with a high penetrance, severe, early onset disease phenotype in heterozygous state. To our knowledge, no occurrence of c.4594-4G>A in individuals affected with CACNA1A-related conditions and no experimental evidence demonstrating its impact on protein function have been reported. ClinVar contains an entry for this variant (Variation ID: 386382). Based on the evidence outlined above, the variant was classified as likely benign.

Laboratory of Genetics, Children's Clinical University Hospital Latvia
Classification: Likely benign. Last evaluated: 2025-02-16. Review status: criteria provided, single submitter. Criteria: ACMG Guidelines, 2015. Collection method: clinical testing. Allele origin: germline. Affected: yes.

Labcorp Genetics (formerly Invitae), Labcorp
Classification: Likely benign for Developmental and epileptic encephalopathy, 42; Episodic ataxia type 2. Last evaluated: 2024-03-04. Review status: criteria provided, single submitter. Criteria: Invitae Variant Classification Sherloc (09022015). Collection method: clinical testing. Allele origin: germline.

GeneDx
Classification: Likely benign. Last evaluated: 2020-10-29. Review status: criteria provided, single submitter. Criteria: GeneDx Variant Classification Process June 2021. Collection method: clinical testing. Allele origin: germline. Affected: yes.

PreventionGenetics, part of Exact Sciences
Classification: Likely benign for CACNA1A-related condition. Last evaluated: 2023-09-03. Review status: no assertion criteria provided. Collection method: clinical testing. Allele origin: germline. Not counted in ClinVar's aggregate classification.
Comment: This variant is classified as likely benign based on ACMG/AMP sequence variant interpretation guidelines (Richards et al. 2015 PMID: 25741868, with internal and published modifications).

NM_001127222.2(CACNA1A):c.4591-4G>A

Gene: CACNA1A (calcium voltage-gated channel subunit alpha1 A; minus strand). Cytogenetic location: 19p13.13.
Variant type: single nucleotide variant.
Coding change: c.4591-4G>A on transcript NM_001127222.2 (MANE Select); 4 bases into the intron before coding-DNA position 4591, G replaced by A.
Molecular consequence: intron variant.
Genome position (GRCh38, 1-based): chr19:13,255,263, C>T on the plus strand (G>A on the coding strand, the complement: CACNA1A is on the minus strand). VCF-style: chr19-13255263-C-T. GRCh37 (hg19) VCF-style: chr19-13366077-C-T.
Other names: c.4594-4G>A (NM_001127221.2, NM_001174080.2); c.4603-4G>A (NM_000068.4, NM_023035.3); c.4591-4G>A (NM_001127222.1).
Identifiers: ClinVar variation 386382 (VCV000386382.24), dbSNP rs370348070, ClinGen allele CA9239982.